The following is an entry in ClinVar:

ClinVar aggregate classification (germline): Uncertain significance. Review status: criteria provided, multiple submitters, no conflicts (2 of 4 stars). 4 submissions from 4 submitters: Uncertain significance (3). 1 of the submissions does not count toward it. Last evaluated 2026-09-14.

Conditions:
PKD1-related disorder. Also called: PKD1-related condition.
Polycystic kidney disease, adult type (PKD1). Also called: POLYCYSTIC KIDNEY DISEASE 1 WITH OR WITHOUT POLYCYSTIC LIVER DISEASE; POLYCYSTIC KIDNEY DISEASE, ADULT, TYPE I; Polycystic Kidney Disease 1, Autosomal Dominant; Polycystic kidney disease 1; Polycystic kidney disease 1, severe; Polycystic Kidney, Autosomal Dominant. Identifiers: MedGen C3149841, MONDO:0008263, OMIM 173900.
Polycystic kidney disease. Also called: Kidney, Polycystic; Polycystic kidney dysplasia. Identifiers: HP:0000113, MedGen C0022680, MeSH D007690, MONDO:0020642.

Allele frequency attached by ClinVar (database versions not stated): TOPMed 0.00005; 1000 Genomes Project 30x 0.00016; 1000 Genomes Project 0.00020.

Submissions (4):

PreventionGenetics, part of Exact Sciences
Classification: Uncertain significance for PKD1-related condition. Last evaluated: 2026-09-14. Review status: criteria provided, single submitter. Criteria: ACMG Guidelines, 2015. Collection method: clinical testing. Allele origin: germline.
Comment: The PKD1 c.9991G>A variant is predicted to result in the amino acid substitution p.Val3331Met. To our knowledge, this variant has not been reported in the literature. This variant is reported in 0.036% of alleles in individuals of East Asian descent in gnomAD. Although we suspect that this variant may be benign, at this time, the clinical significance of this variant is uncertain due to the absence of conclusive functional and genetic evidence.

GeneDx
Classification: Uncertain significance. Last evaluated: 2024-02-16. Review status: criteria provided, single submitter. Criteria: GeneDx Variant Classification Process June 2021. Collection method: clinical testing. Allele origin: germline. Affected: yes.
Comment: In silico analysis supports that this missense variant does not alter protein structure/function; Has not been previously published as pathogenic or benign to our knowledge

Fulgent Genetics
Classification: Uncertain significance for Polycystic kidney disease, adult type. Last evaluated: 2021-12-08. Review status: criteria provided, single submitter. Criteria: ACMG Guidelines, 2015. Collection method: clinical testing. Allele origin: unknown.

Department of Pathology and Laboratory Medicine, Sinai Health System
Classification: Uncertain significance for Polycystic Kidney disease. Review status: no assertion criteria provided. Collection method: clinical testing. Allele origin: unknown. Affected: yes. Study: The Canadian Open Genetics Repository (COGR). Not counted in ClinVar's aggregate classification.
Comment: The PKD1 p.Val3331Met variant was not identified in the literature nor was it identified in Clinvitae, ClinVar, GeneInsight COGR, MutDB, ADPKD Mutation Database, PKD1-LOVD, and PKD1-LOVD 3.0 databases. The variant was identified in dbSNP (ID: rs541894980) as â€šÃ„ÃºNAâ€šÃ„Ã¹, 1000 Genomes Project in 1 of 5000 chromosomes (frequency: 0.0002), the Exome Aggregation Consortium database (March 14, 2016) in 3 of 25024 chromosomes (freq. 0.0001) in the following populations: East Asian in 1 of 1120 chromosomes (freq. 0.0009), European (Non-Finnish) in 2 of 11420 chromosomes (freq. 0.0002), but was not seen in Africans, Finnish, Latino, other or South Asian populations, although this low number of observations and low frequency is not substantive enough to determine the prevalence of the variant in the general population and its relationship to disease. In addition we cannot be certain that data from control databases is specific to PKD1 and not from one of the six PKD1 pseudogenes. The p.Val3331 residue is conserved in mammals and computational analyses (PolyPhen-2, SIFT, AlignGVGD, BLOSUM, MutationTaster) provide inconsistent predictions regarding the impact to the protein; this information is not very predictive of pathogenicity. The variant occurs outside of the splicing consensus sequence and in silico or computational prediction software programs (SpliceSiteFinder, MaxEntScan, NNSPLICE, GeneSplicer, HumanSpliceFinder) do not predict a difference in splicing. In summary, based on the above information, the clinical significance of this variant cannot be determined with certainty at this time. This variant is classified as a variant of uncertain significance.

NM_001009944.3(PKD1):c.9991G>A (p.Val3331Met)

Gene: PKD1 (polycystin 1, transient receptor potential channel interacting; minus strand). Cytogenetic location: 16p13.3.
Variant type: single nucleotide variant.
Coding change: c.9991G>A on transcript NM_001009944.3 (MANE Select); coding-DNA position 9991, G replaced by A.
Protein change: p.Val3331Met; replaces valine 3331 with methionine.
Molecular consequence: missense variant.
Genome position (GRCh38, 1-based): chr16:2,099,703, C>T on the plus strand (G>A on the coding strand, the complement: PKD1 is on the minus strand). VCF-style: chr16-2099703-C-T. GRCh37 (hg19) VCF-style: chr16-2149704-C-T.
Other names: c.9991G>A, p.Val3331Met (NM_000296.4); short protein forms V3331M.
Identifiers: ClinVar variation 433997 (VCV000433997.6), dbSNP rs541894980, ClinGen allele CA7829865.